The following is an entry in ClinVar:

ClinVar aggregate classification (germline): Uncertain significance. Review status: criteria provided, multiple submitters, no conflicts (2 of 4 stars). 3 submissions from 3 submitters: Uncertain significance (3). Last evaluated 2026-01-02.

Conditions:
Cardiovascular phenotype. Identifiers: MedGen CN230736.
Hypercholesterolemia, autosomal dominant, 3 (FHCL3). Also called: Familial Hypercholesterolemia, Autosomal Dominant, 3; PCSK9-Related Familial Hypercholesterolemia, Autosomal Dominant; Familial hypercholesterolemia 3. Identifiers: MedGen C1863551, MONDO:0011369, OMIM 603776.

gnomAD v4.1: 1 of 1,613,822 alleles (0.000062%); highest among the groups gnomAD compares: Non-Finnish European, 0.000085%; no homozygotes.

Submissions (3):

Labcorp Genetics (formerly Invitae), Labcorp
Classification: Uncertain significance for Hypercholesterolemia, autosomal dominant, 3. Last evaluated: 2026-01-02. Review status: criteria provided, single submitter. Criteria: Invitae Variant Classification Sherloc (09022015). Collection method: clinical testing. Allele origin: germline.
Comment: This sequence change replaces cysteine, which is neutral and slightly polar, with serine, which is neutral and polar, at codon 626 of the PCSK9 protein (p.Cys626Ser). This variant is present in population databases (no rsID available, gnomAD 0.0009%). This variant has not been reported in the literature in individuals affected with PCSK9-related conditions. ClinVar contains an entry for this variant (Variation ID: 1781804). Invitae Evidence Modeling of protein sequence and biophysical properties (such as structural, functional, and spatial information, amino acid conservation, physicochemical variation, residue mobility, and thermodynamic stability) indicates that this missense variant is expected to disrupt PCSK9 protein function with a positive predictive value of 95%. In summary, the available evidence is currently insufficient to determine the role of this variant in disease. Therefore, it has been classified as a Variant of Uncertain Significance.

All of Us Research Program, National Institutes of Health
Classification: Uncertain significance for Hypercholesterolemia, autosomal dominant, 3. Last evaluated: 2023-03-28. Review status: criteria provided, single submitter. Criteria: ACMG Guidelines, 2015. Collection method: clinical testing. Allele origin: germline. Inheritance: Autosomal dominant inheritance. Observed: 1 variant allele, 1 heterozygote.
Comment: This study involves interpretation of variants in research participants for the purpose of population health screening. Participant phenotype was not available at the time of variant classification. Additional details can be found in publication PMID: 35346344, PMCID: PMC8962531

Ambry Genetics
Classification: Uncertain significance for Cardiovascular phenotype. Last evaluated: 2022-05-20. Review status: criteria provided, single submitter. Criteria: Ambry Variant Classification Scheme 2023. Collection method: clinical testing. Allele origin: germline.
Comment: The p.C626S variant (also known as c.1877G>C), located in coding exon 12 of the PCSK9 gene, results from a G to C substitution at nucleotide position 1877. The cysteine at codon 626 is replaced by serine, an amino acid with dissimilar properties. This amino acid position is conserved. In addition, the in silico prediction for this alteration is inconclusive. Since supporting evidence is limited at this time, the clinical significance of this alteration remains unclear.

NM_174936.4(PCSK9):c.1877G>C (p.Cys626Ser)

Gene: PCSK9 (proprotein convertase subtilisin/kexin type 9; plus strand). Cytogenetic location: 1p32.3.
Variant type: single nucleotide variant.
Coding change: c.1877G>C on transcript NM_174936.4 (MANE Select); coding-DNA position 1877, G replaced by C.
Protein change: p.Cys626Ser; replaces cysteine 626 with serine.
Molecular consequence: missense variant.
Genome position (GRCh38, 1-based): chr1:55,063,382, G>C. VCF-style: chr1-55063382-G-C. GRCh37 (hg19) VCF-style: chr1-55529055-G-C.
Other names: c.1919G>C, p.Cys640Ser (NM_001407241.1); c.1880G>C, p.Cys627Ser (NM_001407242.1); c.1820G>C, p.Cys607Ser (NM_001407243.1); c.1703G>C, p.Cys568Ser (NM_001407244.1); c.1685G>C, p.Cys562Ser (NM_001407245.1); c.1502G>C, p.Cys501Ser (NM_001407246.1); c.1376G>C, p.Cys459Ser (NM_001407247.1); c.2000G>C, p.Cys667Ser (NM_001407240.1); short protein forms C501S, C627S, C640S, C667S, C459S, C568S, C562S, C607S.
Identifiers: ClinVar variation 1781804 (VCV001781804.4), dbSNP rs766081343, ClinGen allele CA340480567.
Genomic context (GRCh38, chr1:55,063,382, plus strand): 5'-CCCGGGCCACGCTAGACATGTGCTTTCTTTTCCTCGGGCTCTGGCAGGTGACCGTGGCCT[G>C]CGAGGAGGGCTGGACCCTGACTGGCTGCAGTGCCCTCCCTGGGACCTCCCACGTCCTGGG-3'
Protein context (NP_777596.2, residues 616-636): PAPQEQVTVA[Cys626Ser]EEGWTLTGCS